The following is an entry in ClinVar:

ClinVar aggregate classification (germline): Pathogenic (1 of 4 stars; one submission).

Conditions:
Centromeric instability of chromosomes 1,9 and 16 and immunodeficiency (ICF1). Also called: CENTROMERIC INSTABILITY, IMMUNODEFICIENCY SYNDROME; IMMUNE DEFICIENCY, VARIABLE, WITH CENTROMERIC INSTABILITY OF CHROMOSOMES 1, 9, AND 16; IMMUNODEFICIENCY SYNDROME, VARIABLE; Immunodeficiency-centromeric instability-facial anomalies. Identifiers: Orphanet 2268, MedGen C0398788, MONDO:0000133.

Submission:

Labcorp Genetics (formerly Invitae), Labcorp
Classification: Pathogenic for Centromeric instability of chromosomes 1,9 and 16 and immunodeficiency. Last evaluated: 2025-06-16. Review status: criteria provided, single submitter. Criteria: Invitae Variant Classification Sherloc (09022015). Collection method: clinical testing. Allele origin: germline.
Comment: This sequence change creates a premature translational stop signal (p.Ser749*) in the DNMT3B gene. It is expected to result in an absent or disrupted protein product. Loss-of-function variants in DNMT3B are known to be pathogenic (PMID: 11102980). This variant is not present in population databases (gnomAD no frequency). This variant has not been reported in the literature in individuals affected with DNMT3B-related conditions. ClinVar contains an entry for this variant (Variation ID: 1453417). Algorithms developed to predict the effect of sequence changes on RNA splicing suggest that this variant may disrupt the consensus splice site. For these reasons, this variant has been classified as Pathogenic.

Literature cited by the submitters: PubMed 11102980.

NM_006892.4(DNMT3B):c.2246C>A (p.Ser749Ter)

Gene: DNMT3B (DNA methyltransferase 3 beta; plus strand). Cytogenetic location: 20q11.21.
Variant type: single nucleotide variant.
Coding change: c.2246C>A on transcript NM_006892.4 (MANE Select); coding-DNA position 2246, C replaced by A.
Protein change: p.Ser749Ter; replaces serine 749 with a stop codon.
Molecular consequence: nonsense. On other transcripts: intron variant (3).
Genome position (GRCh38, 1-based): chr20:32,805,352, C>A. VCF-style: chr20-32805352-C-A. GRCh37 (hg19) VCF-style: chr20-31393158-C-A.
Other names: c.2186C>A, p.Ser729Ter (NM_175848.2); c.2222C>A, p.Ser741Ter (NM_175850.3); c.2172-2410C>A (NM_175849.2); c.2046-2410C>A (NM_001207055.2); c.1944-2410C>A (NM_001207056.2); short protein forms S749*, S729*, S741*.
Identifiers: ClinVar variation 1453417 (VCV001453417.6), dbSNP rs2146082310, ClinGen allele CA408592109.